The following is an entry in ClinVar:

ClinVar aggregate classification (germline): Likely pathogenic (1 of 4 stars; one submission).

Conditions:
Neurodevelopmental disorder with dysmorphic facies and distal limb anomalies. Identifiers: Orphanet 686482, MedGen C4540327, MONDO:0060596, OMIM 617755.

Submission:

3billion
Classification: Likely pathogenic for Neurodevelopmental disorder with dysmorphic facies and distal limb anomalies. Last evaluated: 2024-12-19. Review status: criteria provided, single submitter. Criteria: ACMG Guidelines, 2015. Collection method: clinical testing. Allele origin: germline. Affected: yes.
Comment: The variant is not observed in the gnomAD v4.1.0 dataset. Predicted Consequence/Location: Frameshift: predicted to result in a loss or disruption of normal protein function through nonsense-mediated decay (NMD) or protein truncation. Multiple pathogenic variants are reported downstream of the variant. Therefore, this variant is classified as Likely pathogenic according to the recommendation of ACMG/AMP guideline.

NM_182641.4(BPTF):c.5953del (p.His1985fs)

Gene: BPTF (bromodomain PHD finger transcription factor; plus strand). Cytogenetic location: 17q24.2.
Variant type: Deletion.
Coding change: c.5953del on transcript NM_182641.4 (MANE Select); coding-DNA position 5953, one base deleted (C; older notation c.5953delC).
Protein change: p.His1985fs; shifts the reading frame from histidine 1985.
Molecular consequence: frameshift variant.
Genome position (GRCh38, 1-based): chr17:67,928,556, C deleted. VCF-style (leftmost placement, unchanged base first): chr17-67928555-TC-T. GRCh37 (hg19) VCF-style: chr17-65924671-TC-T.
Other names: c.6142del, p.His2048fs (NM_001439139.1, NM_001439141.1, NM_001439143.1 and 1 more transcripts); c.6331del, p.His2111fs (NM_001439140.1, NM_001439142.1, NM_004459.7); short protein forms H1985fs, H2048fs, H2111fs.
Identifiers: ClinVar variation 4293113 (VCV004293113.1).